The following is an entry in ClinVar:

NM_006514.4(SCN10A):c.5116A>G (p.Ile1706Val)

Gene: SCN10A (sodium voltage-gated channel alpha subunit 10; minus strand). Cytogenetic location: 3p22.2.
Variant type: single nucleotide variant.
Coding change: c.5116A>G on transcript NM_006514.4 (MANE Select); coding-DNA position 5116, A replaced by G.
Protein change: p.Ile1706Val; replaces isoleucine 1706 with valine.
Molecular consequence: missense variant.
Genome position (GRCh38, 1-based): chr3:38,698,104, T>C on the plus strand (A>G on the coding strand, the complement: SCN10A is on the minus strand). VCF-style: chr3-38698104-T-C. GRCh37 (hg19) VCF-style: chr3-38739595-T-C.
Other names: c.5113A>G, p.Ile1705Val (NM_001293306.2); c.4822A>G, p.Ile1608Val (NM_001293307.2); short protein forms I1608V, I1706V, I1705V.
Identifiers: ClinVar variation 1404250 (VCV001404250.6), dbSNP rs968515082, ClinGen allele CA352154488.
Genomic context (GRCh38, chr3:38,698,104, plus strand): 5'-TGAAGTTCTCCAGAATCACTGCAATGTACATGTTGACCATGATGAGGAAGGAGATGATGA[T>C]GTAGGTGGTGAAGAAGATGATGCCTACGGCTGGGCTCCCACAGTCCCCTCTGGTGCCATT-3'
Protein context (NP_006505.4, residues 1696-1716): AVGIIFFTTY[Ile1706Val]IISFLIMVNM

ClinVar aggregate classification (germline): Uncertain significance (1 of 4 stars; one submission).

Conditions:
Brugada syndrome. Also called: Sudden Unexplained Death Syndrome; Sudden Unexplained Nocturnal Death Syndrome (SUNDS); Sudden unexplained nocturnal death syndrome; Sudden unexpected nocturnal death syndrome. Identifiers: Orphanet 130, MedGen C1142166, MONDO:0015263.

Allele frequency attached by ClinVar (database versions not stated): gnomAD exomes below 0.00001.
gnomAD v4.1: 2 of 1,614,004 alleles (0.00012%); highest among the groups gnomAD compares: East Asian, 0.0022%; no homozygotes.

Submission:

Labcorp Genetics (formerly Invitae), Labcorp
Classification: Uncertain significance for Brugada syndrome. Last evaluated: 2021-08-02. Review status: criteria provided, single submitter. Criteria: Invitae Variant Classification Sherloc (09022015). Collection method: clinical testing. Allele origin: germline.
Comment: Advanced modeling of protein sequence and biophysical properties (such as structural, functional, and spatial information, amino acid conservation, physicochemical variation, residue mobility, and thermodynamic stability) performed at Invitae indicates that this missense variant is expected to disrupt SCN10A protein function. Experimental studies have shown that this missense change affects SCN10A protein function (PMID: 23986244, 29992996). In summary, the available evidence is currently insufficient to determine the role of this variant in disease. Therefore, it has been classified as a Variant of Uncertain Significance. This missense change has been observed in individual(s) with small fiber neuropathy (PMID: 23986244). This sequence change replaces isoleucine with valine at codon 1706 of the SCN10A protein (p.Ile1706Val). The isoleucine residue is moderately conserved and there is a small physicochemical difference between isoleucine and valine. This variant is not present in population databases (ExAC no frequency).

Literature cited by the submitters: PubMed 23986244; PubMed 29992996.